The following is an entry in ClinVar:

ClinVar aggregate classification (germline): Uncertain significance. Review status: criteria provided, multiple submitters, no conflicts (2 of 4 stars). 2 submissions from 2 submitters: Uncertain significance (2). Last evaluated 2025-04-17.

Conditions:
Hereditary cancer-predisposing syndrome. Also called: Tumor predisposition; Hereditary neoplastic syndrome; Neoplastic Syndromes, Hereditary; Hereditary Cancer Syndrome. Identifiers: Orphanet 140162, MedGen C0027672, MeSH D009386, MONDO:0015356.
Familial cancer of breast. Also called: hereditary breast carcinoma; Hereditary breast cancer; BREAST CANCER, FAMILIAL. Identifiers: Orphanet 227535, MedGen C0346153, MONDO:0016419, OMIM 114480. Disease mechanism: loss of function.

Submissions (2):

Ambry Genetics
Classification: Uncertain significance for Hereditary cancer-predisposing syndrome. Last evaluated: 2025-04-17. Review status: criteria provided, single submitter. Criteria: Ambry Variant Classification Scheme 2023. Collection method: clinical testing. Allele origin: germline.
Comment: The p.N503T variant (also known as c.1508A>C), located in coding exon 13 of the CHEK2 gene, results from an A to C substitution at nucleotide position 1508. The asparagine at codon 503 is replaced by threonine, an amino acid with similar properties. This amino acid position is conserved. In addition, this alteration is predicted to be tolerated by in silico analysis. Based on the available evidence, the clinical significance of this variant remains unclear.

Labcorp Genetics (formerly Invitae), Labcorp
Classification: Uncertain significance for Familial cancer of breast. Last evaluated: 2024-06-09. Review status: criteria provided, single submitter. Criteria: Invitae Variant Classification Sherloc (09022015). Collection method: clinical testing. Allele origin: germline.
Comment: This sequence change replaces asparagine, which is neutral and polar, with threonine, which is neutral and polar, at codon 503 of the CHEK2 protein (p.Asn503Thr). This variant is not present in population databases (gnomAD no frequency). This variant has not been reported in the literature in individuals affected with CHEK2-related conditions. ClinVar contains an entry for this variant (Variation ID: 861513). Algorithms developed to predict the effect of missense changes on protein structure and function output the following: SIFT: "Not Available"; PolyPhen-2: "Benign"; Align-GVGD: "Not Available". The threonine amino acid residue is found in multiple mammalian species, which suggests that this missense change does not adversely affect protein function. In summary, the available evidence is currently insufficient to determine the role of this variant in disease. Therefore, it has been classified as a Variant of Uncertain Significance.

NM_007194.4(CHEK2):c.1508A>C (p.Asn503Thr)

Gene: CHEK2 (checkpoint kinase 2; minus strand). Cytogenetic location: 22q12.1.
Variant type: single nucleotide variant.
Coding change: c.1508A>C on transcript NM_007194.4 (MANE Select); coding-DNA position 1508, A replaced by C.
Protein change: p.Asn503Thr; replaces asparagine 503 with threonine.
Molecular consequence: missense variant.
Genome position (GRCh38, 1-based): chr22:28,689,169, T>G on the plus strand (A>C on the coding strand, the complement: CHEK2 is on the minus strand). VCF-style: chr22-28689169-T-G. GRCh37 (hg19) VCF-style: chr22-29085157-T-G.
Other names: c.1637A>C, p.Asn546Thr (NM_001005735.3); c.845A>C, p.Asn282Thr (NM_001257387.3); c.1307A>C, p.Asn436Thr (NM_001349956.3); c.1421A>C, p.Asn474Thr (NM_145862.3); short protein forms N282T, N474T, N436T, N503T, N546T.
Identifiers: ClinVar variation 861513 (VCV000861513.11), dbSNP rs1555912017, ClinGen allele CA411092401.